The following is an entry in ClinVar:

ClinVar aggregate classification (germline): Uncertain significance (1 of 4 stars; one submission).

Allele frequency attached by ClinVar (database versions not stated): TOPMed below 0.00001.

Submission:

Labcorp Genetics (formerly Invitae), Labcorp
Classification: Uncertain significance. Last evaluated: 2022-11-01. Review status: criteria provided, single submitter. Criteria: Invitae Variant Classification Sherloc (09022015). Collection method: clinical testing. Allele origin: germline.
Comment: This sequence change replaces valine, which is neutral and non-polar, with alanine, which is neutral and non-polar, at codon 1606 of the CDH23 protein (p.Val1606Ala). This variant is not present in population databases (gnomAD no frequency). This variant has not been reported in the literature in individuals affected with CDH23-related conditions. ClinVar contains an entry for this variant (Variation ID: 1392626). Advanced modeling of protein sequence and biophysical properties (such as structural, functional, and spatial information, amino acid conservation, physicochemical variation, residue mobility, and thermodynamic stability) performed at Invitae indicates that this missense variant is not expected to disrupt CDH23 protein function. In summary, the available evidence is currently insufficient to determine the role of this variant in disease. Therefore, it has been classified as a Variant of Uncertain Significance.

NM_022124.6(CDH23):c.4817T>C (p.Val1606Ala)

Gene: CDH23 (cadherin related 23; plus strand). Cytogenetic location: 10q22.1.
Variant type: single nucleotide variant.
Coding change: c.4817T>C on transcript NM_022124.6 (MANE Select); coding-DNA position 4817, T replaced by C.
Protein change: p.Val1606Ala; replaces valine 1606 with alanine.
Molecular consequence: missense variant.
Genome position (GRCh38, 1-based): chr10:71,741,893, T>C. VCF-style: chr10-71741893-T-C. GRCh37 (hg19) VCF-style: chr10-73501650-T-C.
Other names: short protein forms V1606A.
Identifiers: ClinVar variation 1392626 (VCV001392626.6), dbSNP rs1839745450, ClinGen allele CA377130451.